The following is an entry in ClinVar:

NM_004656.4(BAP1):c.448_531del (p.Arg150_Thr177del)

Gene: BAP1 (BRCA1 associated deubiquitinase 1; minus strand). Cytogenetic location: 3p21.1.
Variant type: Deletion.
Coding change: c.448_531del on transcript NM_004656.4 (MANE Select); coding-DNA positions 448 to 531, 84 bases deleted.
Protein change: p.Arg150_Thr177del.
Molecular consequence: inframe deletion. On other transcripts: inframe indel (1).
Genome position (GRCh38, 1-based): chr3:52,407,223-52,407,306, 84 bases deleted. GRCh37 (hg19): chr3:52,441,241-52,441,324.
Other names: c.448_531del, p.Arg150_Thr177del (NM_001410772.1); c.448_531del84 (NM_004656.2).
Identifiers: ClinVar variation 4620625 (VCV004620625.1).

ClinVar aggregate classification (germline): Likely pathogenic (1 of 4 stars; one submission).

Conditions:
Hereditary cancer-predisposing syndrome. Also called: Neoplastic Syndromes, Hereditary; Tumor predisposition; Hereditary Cancer Syndrome; Hereditary neoplastic syndrome. Identifiers: Orphanet 140162, MedGen C0027672, MeSH D009386, MONDO:0015356.

Submission:

Ambry Genetics
Classification: Likely pathogenic for Hereditary cancer-predisposing syndrome. Last evaluated: 2025-11-04. Review status: criteria provided, single submitter. Criteria: Ambry Variant Classification Scheme 2023. Collection method: clinical testing. Allele origin: germline.
Comment: The c.448_531del84 variant (also known as p.R150_T177del) is located in coding exon 7 of the BAP1 gene. This variant results from an in-frame deletion of 84 nucleotides at nucleotide positions 448 to 531. This results in the in-frame deletion of 28 amino acids at codons 150 to 177. This variant was reported in individual(s) with features consistent with BAP1-related tumor predisposition syndrome (Ambry internal data). This amino acid region is highly conserved in available vertebrate species and the impacted region is critical for protein function (Ambry internal data). In addition, this variant is predicted to be deleterious by in silico analysis (Choi Y et al. PLoS ONE. 2012; 7(10):e46688). This variant is considered to be rare based on population cohorts in the Genome Aggregation Database (gnomAD). Based on the majority of available evidence to date, this variant is likely to be pathogenic.